The following is an entry in ClinVar:

ClinVar aggregate classification (germline): Likely pathogenic (0 of 4 stars; one submission).

Conditions:
Neuronal ceroid lipofuscinosis 1 (CLN1). Also called: CEROID LIPOFUSCINOSIS, NEURONAL, 1, VARIABLE AGE AT ONSET; PPT1-Related Neuronal Ceroid-Lipofuscinosis. Identifiers: Orphanet 228329, MedGen C1850451, MONDO:0009744, OMIM 256730.

Submission:

Juha Muilu Group; Institute for Molecular Medicine Finland (FIMM)
Classification: Likely pathogenic for Ceroid lipofuscinosis neuronal 1. Review status: no assertion criteria provided. Collection method: not provided. Allele origin: unknown.
Comment: FinDis database variant: This variant was not found or characterized by our laboratory, data were collected from public sources: see reference
ClinVar note: Converted during submission from probable-pathogenic to Likely pathogenic.

NM_000310.4(PPT1):c.644del (p.Tyr215fs)

Gene: PPT1 (palmitoyl-protein thioesterase 1; minus strand). Cytogenetic location: 1p34.2.
Variant type: Deletion.
Coding change: c.644del on transcript NM_000310.4 (MANE Select); coding-DNA position 644, one base deleted (A; older notation c.644delA).
Protein change: p.Tyr215fs; shifts the reading frame from tyrosine 215.
Molecular consequence: frameshift variant.
Genome position (GRCh38, 1-based): chr1:40,078,642, T deleted on the plus strand (A on the coding strand, the reverse complement: PPT1 is on the minus strand). VCF-style (leftmost placement, unchanged base first): chr1-40078641-GT-G. GRCh37 (hg19) VCF-style: chr1-40544313-GT-G.
Other names: c.335del, p.Tyr112fs (NM_001142604.2); c.644del, p.Tyr215fs (NM_001363695.2); c.644delA (NM_000310.3); short protein forms Y112fs, Y215fs.
Identifiers: ClinVar variation 56209 (VCV000056209.2), dbSNP rs386833660, ClinGen allele CA263537.